The following is an entry in ClinVar:

ClinVar aggregate classification (germline): Uncertain significance (1 of 4 stars; one submission).

Allele frequency attached by ClinVar (database versions not stated): gnomAD exomes below 0.00001.
gnomAD v4.1: 2 of 1,614,238 alleles (0.00012%); highest among the groups gnomAD compares: Admixed American, 0.0033%; no homozygotes.

Submission:

Labcorp Genetics (formerly Invitae), Labcorp
Classification: Uncertain significance. Last evaluated: 2023-10-03. Review status: criteria provided, single submitter. Criteria: Invitae Variant Classification Sherloc (09022015). Collection method: clinical testing. Allele origin: germline.
Comment: This sequence change replaces leucine, which is neutral and non-polar, with serine, which is neutral and polar, at codon 1333 of the HTT protein (p.Leu1333Ser). This variant is present in population databases (no rsID available, gnomAD 0.006%). This variant has not been reported in the literature in individuals affected with HTT-related conditions. Experimental studies and prediction algorithms are not available or were not evaluated, and the functional significance of this variant is currently unknown. In summary, the available evidence is currently insufficient to determine the role of this variant in disease. Therefore, it has been classified as a Variant of Uncertain Significance.

NM_001388492.1(HTT):c.3992T>C (p.Leu1331Ser)

Gene: HTT (huntingtin; plus strand). Cytogenetic location: 4p16.3.
Variant type: single nucleotide variant.
Coding change: c.3992T>C on transcript NM_001388492.1 (MANE Select); coding-DNA position 3992, T replaced by C.
Protein change: p.Leu1331Ser; replaces leucine 1331 with serine.
Molecular consequence: missense variant.
Genome position (GRCh38, 1-based): chr4:3,172,957, T>C. VCF-style: chr4-3172957-T-C. GRCh37 (hg19) VCF-style: chr4-3174684-T-C.
Other names: c.3998T>C, p.Leu1333Ser (NM_002111.8); short protein forms L1331S, L1333S.
Identifiers: ClinVar variation 2764394 (VCV002764394.3), dbSNP rs1258187307, ClinGen allele CA356064801.